The following is an entry in ClinVar:

ClinVar aggregate classification (germline): Uncertain significance (1 of 4 stars; one submission).

Submission:

GeneDx
Classification: Uncertain significance. Last evaluated: 2024-09-19. Review status: criteria provided, single submitter. Criteria: GeneDx Variant Classification Process June 2021. Collection method: clinical testing. Allele origin: germline. Affected: yes.
Comment: Not observed at significant frequency in large population cohorts (gnomAD); In silico analysis indicates that this missense variant does not alter protein structure/function; Has not been previously published as pathogenic or benign to our knowledge

NM_004380.3(CREBBP):c.6002A>G (p.Asn2001Ser)

Gene: CREBBP (CREB binding protein; minus strand). Cytogenetic location: 16p13.3.
Variant type: single nucleotide variant.
Coding change: c.6002A>G on transcript NM_004380.3 (MANE Select); coding-DNA position 6002, A replaced by G.
Protein change: p.Asn2001Ser; replaces asparagine 2001 with serine.
Molecular consequence: missense variant.
Genome position (GRCh38, 1-based): chr16:3,729,045, T>C on the plus strand (A>G on the coding strand, the complement: CREBBP is on the minus strand). VCF-style: chr16-3729045-T-C. GRCh37 (hg19) VCF-style: chr16-3779046-T-C.
Other names: c.5888A>G, p.Asn1963Ser (NM_001079846.1); short protein forms N1963S, N2001S.
Identifiers: ClinVar variation 3774151 (VCV003774151.1).